The following is an entry in ClinVar:

NM_000179.3(MSH6):c.2809T>A (p.Tyr937Asn)

Gene: MSH6 (mutS homolog 6; plus strand). Cytogenetic location: 2p16.3.
Variant type: single nucleotide variant.
Coding change: c.2809T>A on transcript NM_000179.3 (MANE Select); coding-DNA position 2809, T replaced by A.
Protein change: p.Tyr937Asn; replaces tyrosine 937 with asparagine.
Molecular consequence: missense variant. On other transcripts: non-coding transcript variant (5), intron variant (2).
Genome position (GRCh38, 1-based): chr2:47,800,792, T>A. VCF-style: chr2-47800792-T-A. GRCh37 (hg19) VCF-style: chr2-48027931-T-A.
Other names: c.2419T>A, p.Tyr807Asn (NM_001281492.2); c.1903T>A, p.Tyr635Asn (NM_001281493.2, NM_001281494.2, NM_001406811.1 and 6 more transcripts); c.2905T>A, p.Tyr969Asn (NM_001406795.1, NM_001406802.1); c.2809T>A, p.Tyr937Asn (NM_001406796.1, NM_001406798.1, NM_001406800.1 and 2 more transcripts); c.2512T>A, p.Tyr838Asn (NM_001406797.1, NM_001406801.1, NM_001406805.1 and 10 more transcripts); c.2284T>A, p.Tyr762Asn (NM_001406799.1, NM_001406806.1, NM_001406807.1); c.2731T>A, p.Tyr911Asn (NM_001406804.1); c.2815T>A, p.Tyr939Asn (NM_001406813.1); and 4 more; short protein forms Y252N, Y969N, Y807N, Y838N, Y635N, Y881N, Y762N, Y911N.
Identifiers: ClinVar variation 3398902 (VCV003398902.1).
Genomic context (GRCh38, chr2:47,800,792, plus strand): 5'-GACCATGAAAAGGCTCGAAAGACTGGACTTATTACTCCCAAAGCAGGCTTTGACTCTGAT[T>A]ATGACCAAGCTCTTGCTGACATAAGAGAAAATGAACAGAGCCTCCTGGAATACCTAGAGA-3'
Protein context (NP_000170.1, residues 927-947): ITPKAGFDSD[Tyr937Asn]DQALADIREN

ClinVar aggregate classification (germline): Uncertain significance (1 of 4 stars; one submission).

Conditions:
Hereditary cancer-predisposing syndrome. Also called: Hereditary Cancer Syndrome; Tumor predisposition; Hereditary neoplastic syndrome; Neoplastic Syndromes, Hereditary. Identifiers: Orphanet 140162, MedGen C0027672, MeSH D009386, MONDO:0015356.

Submission:

Ambry Genetics
Classification: Uncertain significance for Hereditary cancer-predisposing syndrome. Last evaluated: 2024-08-21. Review status: criteria provided, single submitter. Criteria: Ambry Variant Classification Scheme 2023. Collection method: clinical testing. Allele origin: germline.
Comment: The p.Y937N variant (also known as c.2809T>A), located in coding exon 4 of the MSH6 gene, results from a T to A substitution at nucleotide position 2809. The tyrosine at codon 937 is replaced by asparagine, an amino acid with dissimilar properties. This amino acid position is conserved. In addition, this alteration is predicted to be deleterious by in silico analysis. Based on the available evidence, the clinical significance of this variant remains unclear.